The following is an entry in ClinVar:

NM_007272.3(CTRC):c.770C>T (p.Ala257Val)

Gene: CTRC (chymotrypsin C; plus strand). Cytogenetic location: 1p36.21.
Variant type: single nucleotide variant.
Coding change: c.770C>T on transcript NM_007272.3 (MANE Select); coding-DNA position 770, C replaced by T.
Protein change: p.Ala257Val; replaces alanine 257 with valine.
Molecular consequence: missense variant.
Genome position (GRCh38, 1-based): chr1:15,445,727, C>T. VCF-style: chr1-15445727-C-T. GRCh37 (hg19) VCF-style: chr1-15772222-C-T.
Other names: short protein forms A257V.
Identifiers: ClinVar variation 3226091 (VCV003226091.1), dbSNP rs2526303881, ClinGen allele CA338567974.
Genomic context (GRCh38, chr1:15,445,727, plus strand): 5'-TTGGCTCCCGGCGGGGCTGCAACACCCGCAAGAAGCCGGTAGTCTACACCCGGGTGTCCG[C>T]CTACATCGACTGGATCAACGAGGTGGGTGCTGCCTCCACAGCTGTCCCTGCACCTGTCAG-3'
Protein context (NP_009203.2, residues 247-267): KKPVVYTRVS[Ala257Val]YIDWINEKMQ

ClinVar aggregate classification (germline): Uncertain significance (1 of 4 stars; one submission).

Conditions:
Hereditary pancreatitis (PCTT). Also called: Hereditary chronic pancreatitis; PRSS1-Related Hereditary Pancreatitis. Identifiers: Orphanet 676, MedGen C0238339, MONDO:0008185, OMIM 167800.

Submission:

Ambry Genetics
Classification: Uncertain significance for Hereditary pancreatitis. Last evaluated: 2023-10-25. Review status: criteria provided, single submitter. Criteria: Ambry Variant Classification Scheme 2023. Collection method: clinical testing. Allele origin: germline.
Comment: The p.A257V variant (also known as c.770C>T), located in coding exon 7 of the CTRC gene, results from a C to T substitution at nucleotide position 770. The alanine at codon 257 is replaced by valine, an amino acid with similar properties. This amino acid position is conserved. In addition, the in silico prediction for this alteration is inconclusive. Since supporting evidence is limited at this time, the clinical significance of this alteration remains unclear.